The following is an entry in ClinVar:

NM_018100.4(EFHC1):c.125G>C (p.Arg42Pro)

Gene: EFHC1 (EF-hand domain containing 1; plus strand). Cytogenetic location: 6p12.2.
Variant type: single nucleotide variant.
Coding change: c.125G>C on transcript NM_018100.4 (MANE Select); coding-DNA position 125, G replaced by C.
Protein change: p.Arg42Pro; replaces arginine 42 with proline.
Molecular consequence: missense variant. On other transcripts: non-coding transcript variant (1).
Genome position (GRCh38, 1-based): chr6:52,424,007, G>C. VCF-style: chr6-52424007-G-C. GRCh37 (hg19) VCF-style: chr6-52288805-G-C.
Other names: c.68G>C, p.Arg23Pro (NM_001172420.2); short protein forms R42P, R23P.
Identifiers: ClinVar variation 937010 (VCV000937010.11), dbSNP rs773598517, ClinGen allele CA3855682.
Genomic context (GRCh38, chr6:52,424,007, plus strand): 5'-AAACAGCCTTCCACAGAAGTCAGACGCTGAGCTACAGGAACGGCTATGCAATTGTTCGAC[G>C]TCCAACAGTTGGGATAGGCGGAGACCGGCTCCAGTTCAACCAGCTGTCCCAGGCTGAGCT-3'
Protein context (NP_060570.2, residues 32-52): SYRNGYAIVR[Arg42Pro]PTVGIGGDRL

ClinVar aggregate classification (germline): Uncertain significance (1 of 4 stars; one submission).

Conditions:
Absence seizure. Also called: Absence epilepsy. Identifiers: Orphanet 1941, MedGen C0014553.
Myoclonic epilepsy, juvenile, susceptibility to, 1. Also called: Myoclonic Epilepsy, Juvenile, 1; EJM1. Identifiers: MedGen C1850778, MONDO:0020752, OMIM 254770.

Allele frequency attached by ClinVar (database versions not stated): ExAC 0.00002; TOPMed 0.00002; gnomAD exomes 0.00003.
gnomAD v4.1: 26 of 1,614,040 alleles (0.0016%); highest among the groups gnomAD compares: Middle Eastern, 0.033%; no homozygotes.

Submission:

Labcorp Genetics (formerly Invitae), Labcorp
Classification: Uncertain significance for Myoclonic epilepsy, juvenile, susceptibility to, 1; Absence seizure. Last evaluated: 2019-09-26. Review status: criteria provided, single submitter. Criteria: Invitae Variant Classification Sherloc (09022015). Collection method: clinical testing. Allele origin: germline.
Comment: In summary, the available evidence is currently insufficient to determine the role of this variant in disease. Therefore, it has been classified as a Variant of Uncertain Significance. Algorithms developed to predict the effect of missense changes on protein structure and function (SIFT, PolyPhen-2, Align-GVGD) all suggest that this variant is likely to be tolerated, but these predictions have not been confirmed by published functional studies and their clinical significance is uncertain. This variant has not been reported in the literature in individuals with EFHC1-related conditions. This variant is present in population databases (rs773598517, ExAC 0.009%). This sequence change replaces arginine with proline at codon 42 of the EFHC1 protein (p.Arg42Pro). The arginine residue is moderately conserved and there is a moderate physicochemical difference between arginine and proline.